The following is an entry in ClinVar:

ClinVar aggregate classification (germline): Uncertain significance (1 of 4 stars; one submission).

Submission:

Labcorp Genetics (formerly Invitae), Labcorp
Classification: Uncertain significance. Last evaluated: 2025-03-23. Review status: criteria provided, single submitter. Criteria: Invitae Variant Classification Sherloc (09022015). Collection method: clinical testing. Allele origin: germline.
Comment: This sequence change replaces alanine, which is neutral and non-polar, with proline, which is neutral and non-polar, at codon 546 of the EFTUD2 protein (p.Ala546Pro). This variant is not present in population databases (gnomAD no frequency). This variant has not been reported in the literature in individuals affected with EFTUD2-related conditions. Invitae Evidence Modeling of protein sequence and biophysical properties (such as structural, functional, and spatial information, amino acid conservation, physicochemical variation, residue mobility, and thermodynamic stability) indicates that this missense variant is not expected to disrupt EFTUD2 protein function with a negative predictive value of 80%. In summary, the available evidence is currently insufficient to determine the role of this variant in disease. Therefore, it has been classified as a Variant of Uncertain Significance.

NM_004247.4(EFTUD2):c.1636G>C (p.Ala546Pro)

Gene: EFTUD2 (elongation factor Tu GTP binding domain containing 2; minus strand). Cytogenetic location: 17q21.31.
Variant type: single nucleotide variant.
Coding change: c.1636G>C on transcript NM_004247.4 (MANE Select); coding-DNA position 1636, G replaced by C.
Protein change: p.Ala546Pro; replaces alanine 546 with proline.
Molecular consequence: missense variant.
Genome position (GRCh38, 1-based): chr17:44,860,515, C>G on the plus strand (G>C on the coding strand, the complement: EFTUD2 is on the minus strand). VCF-style: chr17-44860515-C-G. GRCh37 (hg19) VCF-style: chr17-42937883-C-G.
Other names: c.1531G>C, p.Ala511Pro (NM_001142605.2); c.1636G>C, p.Ala546Pro (NM_001258353.2); c.1606G>C, p.Ala536Pro (NM_001258354.2); short protein forms A511P, A536P, A546P.
Identifiers: ClinVar variation 4742410 (VCV004742410.1).